The following is an entry in ClinVar:

ClinVar aggregate classification (germline): Likely benign (1 of 4 stars; one submission).

Submission:

CeGaT Center for Human Genetics Tuebingen
Classification: Likely benign. Last evaluated: 2022-11-01. Review status: criteria provided, single submitter. Criteria: CeGaT Center For Human Genetics Tuebingen Variant Classification Criteria Version 2. Collection method: clinical testing. Allele origin: germline. Affected: yes. Observed: 1 variant allele.
Comment: NRXN1: BS2

NC_000002.12:g.51032512GA[26]

Gene: NRXN1 (neurexin 1; minus strand). Cytogenetic location: 2p16.3.
Variant type: Microsatellite.
Genome position: GRCh38 VCF-style: chr2-51032510-A-AAGAGAGAGAG. GRCh37 (hg19) VCF-style: chr2-51259648-A-AAGAGAGAGAG.
Identifiers: ClinVar variation 336599 (VCV000336599.29), dbSNP rs70958640, ClinGen allele CA10615588.